The following is an entry in ClinVar:

ClinVar aggregate classification (germline): Likely pathogenic (1 of 4 stars; one submission).

Conditions:
Hereditary spastic paraplegia 30. Identifiers: Orphanet 101010, MedGen C5235139, MONDO:0012476.
Neuropathy, hereditary sensory, type 2C. Also called: Hereditary sensory and autonomic neuropathy type IIC; KIF1A-Related HSAN2 (HSAN2C). Identifiers: Orphanet 970, MedGen C3280168, MONDO:0013634, OMIM 614213.
Intellectual disability, autosomal dominant 9 (NESCAVS). Also called: NESCAV SYNDROME; KIF1A-Related Neurodevelopmental Disorder. Identifiers: Orphanet 662367, MedGen C5393830, MONDO:0013656, OMIM 614255.

Submission:

Labcorp Genetics (formerly Invitae), Labcorp
Classification: Likely pathogenic for Hereditary spastic paraplegia 30; Neuropathy, hereditary sensory, type 2C; Intellectual disability, autosomal dominant 9. Last evaluated: 2024-03-07. Review status: criteria provided, single submitter. Criteria: Invitae Variant Classification Sherloc (09022015). Collection method: clinical testing. Allele origin: germline.
Comment: This sequence change affects a donor splice site in intron 28 of the KIF1A gene. It is expected to disrupt RNA splicing. Variants that disrupt the donor or acceptor splice site typically lead to a loss of protein function (PMID: 16199547), and loss-of-function variants in KIF1A are known to be pathogenic (PMID: 21820098). This variant is not present in population databases (gnomAD no frequency). This variant has not been reported in the literature in individuals affected with KIF1A-related conditions. ClinVar contains an entry for this variant (Variation ID: 1513283). Algorithms developed to predict the effect of sequence changes on RNA splicing suggest that this variant may disrupt the consensus splice site. In summary, the currently available evidence indicates that the variant is pathogenic, but additional data are needed to prove that conclusively. Therefore, this variant has been classified as Likely Pathogenic.

Literature cited by the submitters: PubMed 16199547; PubMed 21820098.

NM_001244008.2(KIF1A):c.3374+2T>G

Gene: KIF1A (kinesin family member 1A; minus strand). Cytogenetic location: 2q37.3.
Variant type: single nucleotide variant.
Coding change: c.3374+2T>G on transcript NM_001244008.2 (MANE Select); the canonical splice donor site of the intron after coding-DNA position 3374, T replaced by G.
Molecular consequence: splice donor variant.
Genome position (GRCh38, 1-based): chr2:240,745,736, A>C on the plus strand (T>G on the coding strand, the complement: KIF1A is on the minus strand). VCF-style: chr2-240745736-A-C. GRCh37 (hg19) VCF-style: chr2-241685153-A-C.
Other names: c.3071+2T>G (NM_001379653.1, NM_001379650.1, NM_001379641.1 and 5 more transcripts); c.3347+2T>G (NM_001379645.1, NM_001379633.1, NM_001379642.1); c.3173+2T>G (NM_001379635.1, NM_001330290.2, NM_001379646.1 and 1 more transcripts); c.3068+2T>G (NM_001379640.1); c.3323+2T>G (NM_001379632.1); c.3146+2T>G (NM_001379637.1, NM_001379648.1); c.3098+2T>G (NM_001320705.2, NM_001379638.1, NM_001330289.2); c.3449+2T>G (NM_001379631.1).
Identifiers: ClinVar variation 1513283 (VCV001513283.8), dbSNP rs2125791006, ClinGen allele CA351317662.